The following is an entry in ClinVar:

NM_020911.2(PLXNA4):c.3228G>A (p.Lys1076=)

Gene: PLXNA4 (plexin A4; minus strand). Cytogenetic location: 7q32.3.
Variant type: single nucleotide variant.
Coding change: c.3228G>A on transcript NM_020911.2 (MANE Select); coding-DNA position 3228, G replaced by A.
Protein change: p.Lys1076=; no amino-acid change (lysine 1076 retained).
Molecular consequence: synonymous variant.
Genome position (GRCh38, 1-based): chr7:132,182,121, C>T on the plus strand (G>A on the coding strand, the complement: PLXNA4 is on the minus strand). VCF-style: chr7-132182121-C-T. GRCh37 (hg19) VCF-style: chr7-131866880-C-T.
Other names: c.3228G>A, p.Lys1076= (NM_001393897.1).
Identifiers: ClinVar variation 4988147 (VCV004988147.1).

ClinVar aggregate classification (germline): Likely benign (1 of 4 stars; one submission).

Conditions:
PLXNA4-related disorder. Also called: PLXNA4-related condition.

gnomAD v4.1: 1 of 1,614,060 alleles (0.000062%); highest among the groups gnomAD compares: Admixed American, 0.0017%; no homozygotes.

Submission:

PreventionGenetics, part of Exact Sciences
Classification: Likely benign for PLXNA4-related condition. Last evaluated: 2026-07-20. Review status: criteria provided, single submitter. Criteria: ACMG Guidelines, 2015. Collection method: clinical testing. Allele origin: germline.
Comment: This variant is classified as likely benign based on ACMG/AMP sequence variant interpretation guidelines (Richards et al. 2015 PMID: 25741868, with internal and published modifications).